The following is an entry in ClinVar:

ClinVar aggregate classification (germline): Uncertain significance (1 of 4 stars; one submission).

Allele frequency attached by ClinVar (database versions not stated): gnomAD exomes below 0.00001.
gnomAD v4.1: 1 of 1,614,196 alleles (0.000062%); highest among the groups gnomAD compares: South Asian, 0.0011%; no homozygotes.

Submission:

Labcorp Genetics (formerly Invitae), Labcorp
Classification: Uncertain significance. Last evaluated: 2020-04-14. Review status: criteria provided, single submitter. Criteria: Invitae Variant Classification Sherloc (09022015). Collection method: clinical testing. Allele origin: germline.
Comment: The current clinical and genetic evidence is not sufficient to establish whether loss-of-function variants in ZNF408 cause disease. In summary, the available evidence is currently insufficient to determine the role of this variant in disease. Therefore, it has been classified as a Variant of Uncertain Significance. Algorithms developed to predict the effect of sequence changes on RNA splicing suggest that this variant may disrupt the consensus splice site, but this prediction has not been confirmed by published transcriptional studies. This variant has not been reported in the literature in individuals with ZNF408-related conditions. This variant is not present in population databases (ExAC no frequency). This sequence change affects a donor splice site in intron 3 of the ZNF408 gene. It is expected to disrupt RNA splicing and likely results in an absent or disrupted protein product.

NM_024741.3(ZNF408):c.392+1G>A

Gene: ZNF408 (zinc finger protein 408; plus strand). Cytogenetic location: 11p11.2.
Variant type: single nucleotide variant.
Coding change: c.392+1G>A on transcript NM_024741.3 (MANE Select); the canonical splice donor site of the intron after coding-DNA position 392, G replaced by A.
Molecular consequence: splice donor variant.
Genome position (GRCh38, 1-based): chr11:46,702,766, G>A. VCF-style: chr11-46702766-G-A. GRCh37 (hg19) VCF-style: chr11-46724316-G-A.
Other names: c.368+1G>A (NM_001184751.2).
Identifiers: ClinVar variation 1060554 (VCV001060554.7), dbSNP rs2134507228, ClinGen allele CA380252147.